The following is an entry in ClinVar:

NM_024675.4(PALB2):c.1042del (p.Gln348fs)

Gene: PALB2 (partner and localizer of BRCA2; minus strand). Cytogenetic location: 16p12.2.
Variant type: Deletion.
Coding change: c.1042del on transcript NM_024675.4 (MANE Select); coding-DNA position 1042, one base deleted (C; older notation c.1042delC).
Protein change: p.Gln348fs; shifts the reading frame from glutamine 348.
Molecular consequence: frameshift variant.
Genome position (GRCh38, 1-based): chr16:23,635,504, G deleted on the plus strand (C on the coding strand, the reverse complement: PALB2 is on the minus strand). VCF-style (leftmost placement, unchanged base first): chr16-23635503-TG-T. GRCh37 (hg19) VCF-style: chr16-23646824-TG-T.
Other names: c.1042delC (NM_024675.3); short protein forms Q348fs.
Identifiers: ClinVar variation 662993 (VCV000662993.11), dbSNP rs1597097408, ClinGen allele CA915949208.

ClinVar aggregate classification (germline): Pathogenic. Review status: criteria provided, multiple submitters, no conflicts (2 of 4 stars). 3 submissions from 3 submitters: Pathogenic (3). Last evaluated 2023-09-07.

Conditions:
Hereditary cancer-predisposing syndrome. Also called: Neoplastic Syndromes, Hereditary; Tumor predisposition; Hereditary neoplastic syndrome; Hereditary Cancer Syndrome. Identifiers: Orphanet 140162, MedGen C0027672, MeSH D009386, MONDO:0015356.
Familial cancer of breast. Also called: BREAST CANCER, FAMILIAL; hereditary breast carcinoma; Hereditary breast cancer. Identifiers: Orphanet 227535, MedGen C0346153, MONDO:0016419, OMIM 114480. Disease mechanism: loss of function.

Allele frequency attached by ClinVar (database versions not stated): gnomAD exomes below 0.00001.

Submissions (3):

Myriad Genetics, Inc.
Classification: Pathogenic for Familial cancer of breast. Last evaluated: 2023-09-07. Review status: criteria provided, single submitter. Criteria: Myriad Autosomal Dominant, Autosomal Recessive and X-Linked Classification Criteria (2023). Collection method: clinical testing. Allele origin: unknown.
Comment: This variant is considered pathogenic. This variant creates a frameshift predicted to result in premature protein truncation.

Labcorp Genetics (formerly Invitae), Labcorp
Classification: Pathogenic for Familial cancer of breast. Last evaluated: 2023-04-02. Review status: criteria provided, single submitter. Criteria: Invitae Variant Classification Sherloc (09022015). Collection method: clinical testing. Allele origin: germline.
Comment: For these reasons, this variant has been classified as Pathogenic. ClinVar contains an entry for this variant (Variation ID: 662993). This variant has not been reported in the literature in individuals affected with PALB2-related conditions. This variant is not present in population databases (gnomAD no frequency). This sequence change creates a premature translational stop signal (p.Gln348Lysfs*8) in the PALB2 gene. It is expected to result in an absent or disrupted protein product. Loss-of-function variants in PALB2 are known to be pathogenic (PMID: 17200668, 17200671, 17200672, 24136930, 25099575).

Ambry Genetics
Classification: Pathogenic for Hereditary cancer-predisposing syndrome. Last evaluated: 2022-03-27. Review status: criteria provided, single submitter. Criteria: Ambry Variant Classification Scheme 2023. Collection method: clinical testing. Allele origin: germline.
Comment: The c.1042delC pathogenic mutation, located in coding exon 4 of the PALB2 gene, results from a deletion of one nucleotide at nucleotide position 1042, causing a translational frameshift with a predicted alternate stop codon (p.Q348Kfs*8). This variant is considered to be rare based on population cohorts in the Genome Aggregation Database (gnomAD). This alteration is expected to result in loss of function by premature protein truncation or nonsense-mediated mRNA decay. As such, this alteration is interpreted as a disease-causing mutation.

Literature cited by the submitters: PubMed 17200668 (cited by Labcorp Genetics (formerly Invitae), Labcorp); PubMed 17200671 (cited by Labcorp Genetics (formerly Invitae), Labcorp); PubMed 17200672 (cited by Labcorp Genetics (formerly Invitae), Labcorp); PubMed 24136930 (cited by Labcorp Genetics (formerly Invitae), Labcorp); PubMed 25099575 (cited by Labcorp Genetics (formerly Invitae), Labcorp).